The following is an entry in ClinVar:

ClinVar aggregate classification (germline): Uncertain significance (1 of 4 stars; one submission).

Submission:

Labcorp Genetics (formerly Invitae), Labcorp
Classification: Uncertain significance. Last evaluated: 2024-11-18. Review status: criteria provided, single submitter. Criteria: Invitae Variant Classification Sherloc (09022015). Collection method: clinical testing. Allele origin: germline.
Comment: This sequence change replaces glycine, which is neutral and non-polar, with tryptophan, which is neutral and slightly polar, at codon 1417 of the COL4A2 protein (p.Gly1417Trp). This variant is not present in population databases (gnomAD no frequency). This variant has not been reported in the literature in individuals affected with COL4A2-related conditions. ClinVar contains an entry for this variant (Variation ID: 2012218). Invitae Evidence Modeling of protein sequence and biophysical properties (such as structural, functional, and spatial information, amino acid conservation, physicochemical variation, residue mobility, and thermodynamic stability) has been performed for this missense variant. However, the output from this modeling did not meet the statistical confidence thresholds required to predict the impact of this variant on COL4A2 protein function. In summary, the available evidence is currently insufficient to determine the role of this variant in disease. Therefore, it has been classified as a Variant of Uncertain Significance.

NM_001846.4(COL4A2):c.4249G>T (p.Gly1417Trp)

Genes: COL4A2 (collagen type IV alpha 2 chain; plus strand), COL4A2-AS1 (COL4A2 antisense RNA 1; minus strand). Cytogenetic location: 13q34.
Variant type: single nucleotide variant.
Coding change: c.4249G>T on transcript NM_001846.4 (MANE Select); coding-DNA position 4249, G replaced by T.
Protein change: p.Gly1417Trp; replaces glycine 1417 with tryptophan.
Molecular consequence: missense variant.
Genome position (GRCh38, 1-based): chr13:110,503,957, G>T. VCF-style: chr13-110503957-G-T. GRCh37 (hg19) VCF-style: chr13-111156304-G-T.
Other names: short protein forms G1417W.
Identifiers: ClinVar variation 2012218 (VCV002012218.4), dbSNP rs2502206776, ClinGen allele CA388737791.